The following is an entry in ClinVar:

ClinVar aggregate classification (germline): Benign. Review status: criteria provided, multiple submitters, no conflicts (2 of 4 stars). 2 submissions from 2 submitters: Benign (2). Last evaluated 2018-06-14.

Allele frequency attached by ClinVar (database versions not stated): 1000 Genomes Project 30x 0.12414; 1000 Genomes Project 0.12480; TOPMed 0.14540; gnomAD 0.14796 and 0.15003; gnomAD exomes 0.19138.
gnomAD v4.1: 113,087 of 623,778 alleles (18%); highest among the groups gnomAD compares: Middle Eastern, 24%; 11,239 homozygotes.

Submissions (2):

GeneDx
Classification: Benign. Last evaluated: 2018-06-14. Review status: criteria provided, single submitter. Criteria: GeneDx Variant Classification (06012015). Collection method: clinical testing. Allele origin: germline. Affected: yes.
Comment: This variant is considered likely benign or benign based on one or more of the following criteria: it is a conservative change, it occurs at a poorly conserved position in the protein, it is predicted to be benign by multiple in silico algorithms, and/or has population frequency not consistent with disease.

Breakthrough Genomics
Classification: Benign. Review status: criteria provided, single submitter. Criteria: ACMG Guidelines, 2015. Collection method: not provided. Allele origin: germline. Inheritance: Autosomal recessive inheritance. Affected: yes.

NM_001083961.2(WDR62):c.1233+220C>T

Gene: WDR62 (WD repeat domain 62; plus strand). Cytogenetic location: 19q13.12.
Variant type: single nucleotide variant.
Coding change: c.1233+220C>T on transcript NM_001083961.2 (MANE Select); 220 bases into the intron after coding-DNA position 1233, C replaced by T.
Molecular consequence: intron variant.
Genome position (GRCh38, 1-based): chr19:36,073,751, C>T. VCF-style: chr19-36073751-C-T. GRCh37 (hg19) VCF-style: chr19-36564653-C-T.
Other names: c.1233+220C>T (NM_173636.5).
Identifiers: ClinVar variation 670861 (VCV000670861.2), dbSNP rs11669890, ClinGen allele CA15952330.